The following is an entry in ClinVar:

NM_006206.6(PDGFRA):c.385G>A (p.Val129Ile)

Gene: PDGFRA (platelet derived growth factor receptor alpha; plus strand). Cytogenetic location: 4q12.
Variant type: single nucleotide variant.
Coding change: c.385G>A on transcript NM_006206.6 (MANE Select); coding-DNA position 385, G replaced by A.
Protein change: p.Val129Ile; replaces valine 129 with isoleucine.
Molecular consequence: missense variant.
Genome position (GRCh38, 1-based): chr4:54,263,684, G>A. VCF-style: chr4-54263684-G-A. GRCh37 (hg19) VCF-style: chr4-55129851-G-A.
Other names: c.385G>A, p.Val129Ile (NM_001347827.2, NM_001347829.2); c.460G>A, p.Val154Ile (NM_001347828.2); c.424G>A, p.Val142Ile (NM_001347830.2); short protein forms V154I, V129I, V142I.
Identifiers: ClinVar variation 2751085 (VCV002751085.3), dbSNP rs2110250618, ClinGen allele CA356889642.

ClinVar aggregate classification (germline): Uncertain significance (1 of 4 stars; one submission).

Conditions:
Gastrointestinal stromal tumor. Also called: Gastrointestinal stromal tumor, somatic; Gastrointestinal stroma tumor. Identifiers: Orphanet 44890, MedGen C0238198, MeSH D046152, MONDO:0011719, OMIM 606764, HP:0100723.

Submission:

Labcorp Genetics (formerly Invitae), Labcorp
Classification: Uncertain significance for Gastrointestinal stromal tumor. Last evaluated: 2023-07-07. Review status: criteria provided, single submitter. Criteria: Invitae Variant Classification Sherloc (09022015). Collection method: clinical testing. Allele origin: germline.
Comment: This variant has not been reported in the literature in individuals affected with PDGFRA-related conditions. This sequence change replaces valine, which is neutral and non-polar, with isoleucine, which is neutral and non-polar, at codon 129 of the PDGFRA protein (p.Val129Ile). This variant is not present in population databases (gnomAD no frequency). Advanced modeling of protein sequence and biophysical properties (such as structural, functional, and spatial information, amino acid conservation, physicochemical variation, residue mobility, and thermodynamic stability) performed at Invitae indicates that this missense variant is not expected to disrupt PDGFRA protein function. In summary, the available evidence is currently insufficient to determine the role of this variant in disease. Therefore, it has been classified as a Variant of Uncertain Significance.